The following is an entry in ClinVar:

NM_005530.3(IDH3A):c.629T>C (p.Leu210Pro)

Gene: IDH3A (isocitrate dehydrogenase (NAD(+)) 3 catalytic subunit alpha; plus strand). Cytogenetic location: 15q25.1.
Variant type: single nucleotide variant.
Coding change: c.629T>C on transcript NM_005530.3 (MANE Select); coding-DNA position 629, T replaced by C.
Protein change: p.Leu210Pro; replaces leucine 210 with proline.
Molecular consequence: missense variant.
Genome position (GRCh38, 1-based): chr15:78,163,524, T>C. VCF-style: chr15-78163524-T-C. GRCh37 (hg19) VCF-style: chr15-78455866-T-C.
Other names: short protein forms L210P.
Identifiers: ClinVar variation 2098981 (VCV002098981.4), dbSNP rs745664361, ClinGen allele CA7680634.

ClinVar aggregate classification (germline): Uncertain significance (1 of 4 stars; one submission).

Allele frequency attached by ClinVar (database versions not stated): gnomAD exomes below 0.00001; ExAC 0.00001.
gnomAD v4.1: 1 of 1,611,796 alleles (0.000062%); highest among the groups gnomAD compares: Non-Finnish European, 0.000085%; no homozygotes.

Submission:

Labcorp Genetics (formerly Invitae), Labcorp
Classification: Uncertain significance. Last evaluated: 2022-02-18. Review status: criteria provided, single submitter. Criteria: Invitae Variant Classification Sherloc (09022015). Collection method: clinical testing. Allele origin: germline.
Comment: In summary, the available evidence is currently insufficient to determine the role of this variant in disease. Therefore, it has been classified as a Variant of Uncertain Significance. Algorithms developed to predict the effect of missense changes on protein structure and function are either unavailable or do not agree on the potential impact of this missense change (SIFT: "Deleterious"; PolyPhen-2: "Probably Damaging"; Align-GVGD: "Class C0"). This variant has not been reported in the literature in individuals affected with IDH3A-related conditions. This variant is present in population databases (rs745664361, gnomAD 0.0009%). This sequence change replaces leucine, which is neutral and non-polar, with proline, which is neutral and non-polar, at codon 210 of the IDH3A protein (p.Leu210Pro).